The following is an entry in ClinVar:

NM_006766.5(KAT6A):c.3784G>T (p.Glu1262Ter)

Gene: KAT6A (lysine acetyltransferase 6A; minus strand). Cytogenetic location: 8p11.21.
Variant type: single nucleotide variant.
Coding change: c.3784G>T on transcript NM_006766.5 (MANE Select); coding-DNA position 3784, G replaced by T.
Protein change: p.Glu1262Ter; replaces glutamic acid 1262 with a stop codon.
Molecular consequence: nonsense.
Genome position (GRCh38, 1-based): chr8:41,934,436, C>A on the plus strand (G>T on the coding strand, the complement: KAT6A is on the minus strand). VCF-style: chr8-41934436-C-A. GRCh37 (hg19) VCF-style: chr8-41791954-C-A.
Other names: short protein forms E1262*.
Identifiers: ClinVar variation 3911911 (VCV003911911.1).
Genomic context (GRCh38, chr8:41,934,436, plus strand): 5'-CCTCTGAGACACGGGGCTTCTCTTCTTCCTCCTCCACCTCAGGCTCCTTGGTTTCGGTCT[C>A]AGGACTATTGCTGCTGTCTGCTGGAGAGGCTGCTGGGACTTCACTGCTGGCTGCATCCTC-3'

ClinVar aggregate classification (germline): Likely pathogenic (1 of 4 stars; one submission).

Conditions:
Autosomal dominant intellectual disability-craniofacial anomalies-cardiac defects syndrome (ARTHS). Also called: Arboleda-Tham syndrome; Mental retardation, autosomal dominant 32; KAT6A syndrome. Identifiers: Orphanet 457193, MedGen C4225396, MONDO:0014558, OMIM 616268.

Submission:

Institute of Human Genetics, FAU Erlangen, Friedrich-Alexander-Universität Erlangen-Nürnberg
Classification: Likely pathogenic for Autosomal dominant intellectual disability-craniofacial anomalies-cardiac defects syndrome. Last evaluated: 2025-07-07. Review status: criteria provided, single submitter. Criteria: Hauer et al. (Genet Med. 2018). Collection method: clinical testing. Allele origin: germline. Inheritance: Unknown mechanism. Affected: yes. Observed: 1 variant allele.
Comment: This variant has been identified by standard clinical testing. Selected ACMG criteria: Likely pathogenic (I):PM2;PVS1